The following is an entry in ClinVar:

NM_000878.5(IL2RB):c.1211C>T (p.Ser404Phe)

Gene: IL2RB (interleukin 2 receptor subunit beta; minus strand). Cytogenetic location: 22q12.3.
Variant type: single nucleotide variant.
Coding change: c.1211C>T on transcript NM_000878.5 (MANE Select); coding-DNA position 1211, C replaced by T.
Protein change: p.Ser404Phe; replaces serine 404 with phenylalanine.
Molecular consequence: missense variant.
Genome position (GRCh38, 1-based): chr22:37,128,541, G>A on the plus strand (C>T on the coding strand, the complement: IL2RB is on the minus strand). VCF-style: chr22-37128541-G-A. GRCh37 (hg19) VCF-style: chr22-37524581-G-A.
Other names: c.1211C>T, p.Ser404Phe (NM_001346222.1, NM_001346223.2); short protein forms S404F.
Identifiers: ClinVar variation 2963597 (VCV002963597.1), dbSNP rs374625831, ClinGen allele CA10216397.

ClinVar aggregate classification (germline): Uncertain significance (1 of 4 stars; one submission).

Allele frequency attached by ClinVar (database versions not stated): gnomAD exomes below 0.00001; ExAC 0.00001; TOPMed 0.00001; ESP Exome Variant Server 0.00008.
gnomAD v4.1: 5 of 1,613,638 alleles (0.00031%); highest among the groups gnomAD compares: Admixed American, 0.0067%; no homozygotes.

Submission:

Labcorp Genetics (formerly Invitae), Labcorp
Classification: Uncertain significance. Last evaluated: 2023-09-27. Review status: criteria provided, single submitter. Criteria: Invitae Variant Classification Sherloc (09022015). Collection method: clinical testing. Allele origin: germline.
Comment: In summary, the available evidence is currently insufficient to determine the role of this variant in disease. Therefore, it has been classified as a Variant of Uncertain Significance. An algorithm developed to predict the effect of missense changes on protein structure and function (PolyPhen-2) suggests that this variant¬†is likely to be tolerated. This sequence change replaces serine, which is neutral and polar, with phenylalanine, which is neutral and non-polar, at codon 404 of the IL2RB protein (p.Ser404Phe). This variant is present in population databases (rs374625831, gnomAD 0.009%). This variant has not been reported in the literature in individuals affected with IL2RB-related conditions.